The following is an entry in ClinVar:

NM_000089.4(COL1A2):c.1197+61C>T

Gene: COL1A2 (collagen type I alpha 2 chain; plus strand). Cytogenetic location: 7q21.3.
Variant type: single nucleotide variant.
Coding change: c.1197+61C>T on transcript NM_000089.4 (MANE Select); 61 bases into the intron after coding-DNA position 1197, C replaced by T.
Molecular consequence: intron variant.
Genome position (GRCh38, 1-based): chr7:94,410,588, C>T. VCF-style: chr7-94410588-C-T. GRCh37 (hg19) VCF-style: chr7-94039900-C-T.
Identifiers: ClinVar variation 674811 (VCV000674811.2), dbSNP rs42520, ClinGen allele CA162921334.
Genomic context (GRCh38, chr7:94,410,588, plus strand): 5'-GTAGGTTTCAAATGCTCCCAACACCCTAACACACCAGAGGCAGATTATGATACCCCTTCA[C>T]TGGGAATTGGTCAAAATTACTGACTGTGTTTTCTTAGGCAAAAAAAGCATCTGCTTTCCA-3'

ClinVar aggregate classification (germline): Benign. Review status: criteria provided, multiple submitters, no conflicts (2 of 4 stars). 2 submissions from 2 submitters: Benign (2). Last evaluated 2018-06-14.

Allele frequency attached by ClinVar (database versions not stated): gnomAD exomes 0.76861; gnomAD 0.80830 and 0.81248; TOPMed 0.81611; 1000 Genomes Project 0.82508; 1000 Genomes Project 30x 0.82714.
gnomAD v4.1: 1,059,356 of 1,371,476 alleles (77%); highest among the groups gnomAD compares: East Asian, 94%; 411,750 homozygotes.

Submissions (2):

GeneDx
Classification: Benign. Last evaluated: 2018-06-14. Review status: criteria provided, single submitter. Criteria: GeneDx Variant Classification (06012015). Collection method: clinical testing. Allele origin: germline. Affected: yes.
Comment: This variant is considered likely benign or benign based on one or more of the following criteria: it is a conservative change, it occurs at a poorly conserved position in the protein, it is predicted to be benign by multiple in silico algorithms, and/or has population frequency not consistent with disease.

Breakthrough Genomics
Classification: Benign. Review status: criteria provided, single submitter. Criteria: ACMG Guidelines, 2015. Collection method: not provided. Allele origin: germline. Inheritance: Autosomal recessive inheritance. Affected: yes.